The following is an entry in ClinVar:

ClinVar aggregate classification (germline): Benign. Review status: criteria provided, multiple submitters, no conflicts (2 of 4 stars). 3 submissions from 3 submitters: Benign (2). 1 of the submissions does not count toward it. Last evaluated 2016-04-19.

Conditions:
SLC25A1-related disorder. Also called: SLC25A1-related condition.

Allele frequency attached by ClinVar (database versions not stated): gnomAD 0.00701 and 0.00923; TOPMed 0.00907; gnomAD exomes 0.01112 and 0.02250; 1000 Genomes Project 30x 0.02873; 1000 Genomes Project 0.03135; ExAC 0.05987.
gnomAD v4.1: 16,683 of 1,507,196 alleles (1.1%); highest among the groups gnomAD compares: East Asian, 6.9%; 286 homozygotes.

Submissions (3):

GeneDx
Classification: Benign. Last evaluated: 2016-04-19. Review status: criteria provided, single submitter. Criteria: GeneDx Variant Classification (06012015). Collection method: clinical testing. Allele origin: germline. Affected: yes.
Comment: This variant is considered likely benign or benign based on one or more of the following criteria: it is a conservative change, it occurs at a poorly conserved position in the protein, it is predicted to be benign by multiple in silico algorithms, and/or has population frequency not consistent with disease.

Breakthrough Genomics
Classification: Benign. Review status: criteria provided, single submitter. Criteria: ACMG Guidelines, 2015. Collection method: not provided. Allele origin: germline. Inheritance: Autosomal recessive inheritance. Affected: yes.

PreventionGenetics, part of Exact Sciences
Classification: Benign for SLC25A1-related condition. Last evaluated: 2019-03-15. Review status: no assertion criteria provided. Collection method: clinical testing. Allele origin: germline. Not counted in ClinVar's aggregate classification.
Comment: This variant is classified as benign based on ACMG/AMP sequence variant interpretation guidelines (Richards et al. 2015 PMID: 25741868, with internal and published modifications).

NM_005984.5(SLC25A1):c.95-102C>T

Gene: SLC25A1 (solute carrier family 25 member 1; minus strand). Cytogenetic location: 22q11.21.
Variant type: single nucleotide variant.
Coding change: c.95-102C>T on transcript NM_005984.5 (MANE Select); 102 bases into the intron before coding-DNA position 95, C replaced by T.
Molecular consequence: intron variant. On other transcripts: missense variant (1).
Genome position (GRCh38, 1-based): chr22:19,178,342, G>A on the plus strand (C>T on the coding strand, the complement: SLC25A1 is on the minus strand). VCF-style: chr22-19178342-G-A. GRCh37 (hg19) VCF-style: chr22-19165855-G-A.
Other names: c.14C>T, p.Ala5Val (NM_001256534.2); c.-216+45C>T (NM_001287387.2); c.14C>T (NM_001256534.1); short protein forms A5V.
Identifiers: ClinVar variation 378586 (VCV000378586.4), dbSNP rs2276467, ClinGen allele CA10097535.